The following is an entry in ClinVar:

ClinVar aggregate classification (germline): Uncertain significance (1 of 4 stars; one submission).

Conditions:
Bethlem myopathy 1A. Also called: Bethlem myopathy 1; MYOPATHY, BENIGN CONGENITAL, WITH CONTRACTURES; Bethlem Muscular Dystrophy. Identifiers: Orphanet 610, MedGen CN029274, MONDO:0024530, OMIM 158810.

Submission:

Labcorp Genetics (formerly Invitae), Labcorp
Classification: Uncertain significance for Bethlem myopathy 1A. Last evaluated: 2024-04-04. Review status: criteria provided, single submitter. Criteria: Invitae Variant Classification Sherloc (09022015). Collection method: clinical testing. Allele origin: germline.
Comment: This sequence change replaces glycine, which is neutral and non-polar, with glutamic acid, which is acidic and polar, at codon 1329 of the COL6A3 protein (p.Gly1329Glu). This variant is not present in population databases (gnomAD no frequency). This variant has not been reported in the literature in individuals affected with COL6A3-related conditions. Advanced modeling of protein sequence and biophysical properties (such as structural, functional, and spatial information, amino acid conservation, physicochemical variation, residue mobility, and thermodynamic stability) performed at Invitae indicates that this missense variant is expected to disrupt COL6A3 protein function with a positive predictive value of 80%. In summary, the available evidence is currently insufficient to determine the role of this variant in disease. Therefore, it has been classified as a Variant of Uncertain Significance.

NM_004369.4(COL6A3):c.3986G>A (p.Gly1329Glu)

Gene: COL6A3 (collagen type VI alpha 3 chain; minus strand). Cytogenetic location: 2q37.3.
Variant type: single nucleotide variant.
Coding change: c.3986G>A on transcript NM_004369.4 (MANE Select); coding-DNA position 3986, G replaced by A.
Protein change: p.Gly1329Glu; replaces glycine 1329 with glutamic acid.
Molecular consequence: missense variant.
Genome position (GRCh38, 1-based): chr2:237,372,031, C>T on the plus strand (G>A on the coding strand, the complement: COL6A3 is on the minus strand). VCF-style: chr2-237372031-C-T. GRCh37 (hg19) VCF-style: chr2-238280674-C-T.
Other names: c.2765G>A, p.Gly922Glu (NM_057164.5); c.3368G>A, p.Gly1123Glu (NM_057165.5, NM_057167.4); c.2165G>A, p.Gly722Glu (NM_057166.5); short protein forms G1329E, G922E, G722E, G1123E.
Identifiers: ClinVar variation 3648832 (VCV003648832.2).